The following is an entry in ClinVar:

NM_006767.4(LZTR1):c.1622T>C (p.Val541Ala)

Gene: LZTR1 (leucine zipper like post translational regulator 1; plus strand). Cytogenetic location: 22q11.21.
Variant type: single nucleotide variant.
Coding change: c.1622T>C on transcript NM_006767.4 (MANE Select); coding-DNA position 1622, T replaced by C.
Protein change: p.Val541Ala; replaces valine 541 with alanine.
Molecular consequence: missense variant.
Genome position (GRCh38, 1-based): chr22:20,994,564, T>C. VCF-style: chr22-20994564-T-C. GRCh37 (hg19) VCF-style: chr22-21348853-T-C.
Other names: short protein forms V541A.
Identifiers: ClinVar variation 3869269 (VCV003869269.1).

ClinVar aggregate classification (germline): Uncertain significance (1 of 4 stars; one submission).

Conditions:
Hereditary cancer-predisposing syndrome. Also called: Hereditary neoplastic syndrome; Neoplastic Syndromes, Hereditary; Tumor predisposition; Hereditary Cancer Syndrome. Identifiers: Orphanet 140162, MedGen C0027672, MeSH D009386, MONDO:0015356.
Cardiovascular phenotype. Identifiers: MedGen CN230736.

Submission:

Ambry Genetics
Classification: Uncertain significance for Cardiovascular phenotype; Hereditary cancer-predisposing syndrome. Last evaluated: 2024-12-14. Review status: criteria provided, single submitter. Criteria: Ambry Variant Classification Scheme 2023. Collection method: clinical testing. Allele origin: germline.
Comment: The p.V541A variant (also known as c.1622T>C), located in coding exon 15 of the LZTR1 gene, results from a T to C substitution at nucleotide position 1622. The valine at codon 541 is replaced by alanine, an amino acid with similar properties. This amino acid position is conserved. In addition, the in silico prediction for this alteration is inconclusive. Based on the available evidence, the clinical significance of this variant remains unclear.